The following is an entry in ClinVar:

ClinVar aggregate classification (germline): Uncertain significance (1 of 4 stars; one submission).

Conditions:
Hereditary cancer-predisposing syndrome. Also called: Neoplastic Syndromes, Hereditary; Tumor predisposition; Hereditary Cancer Syndrome; Hereditary neoplastic syndrome. Identifiers: Orphanet 140162, MedGen C0027672, MeSH D009386, MONDO:0015356.

gnomAD v4.1: 1 of 1,613,938 alleles (0.000062%); no homozygotes.

Submission:

Ambry Genetics
Classification: Uncertain significance for Hereditary cancer-predisposing syndrome. Last evaluated: 2025-02-02. Review status: criteria provided, single submitter. Criteria: Ambry Variant Classification Scheme 2023. Collection method: clinical testing. Allele origin: germline.
Comment: The p.R240S variant (also known as c.720G>C), located in coding exon 5 of the CHEK2 gene, results from a G to C substitution at nucleotide position 720. The arginine at codon 240 is replaced by serine, an amino acid with dissimilar properties. This amino acid position is well conserved in available vertebrate species. In addition, the in silico prediction for this alteration is inconclusive. Based on the available evidence, the clinical significance of this variant remains unclear.

NM_007194.4(CHEK2):c.720G>C (p.Arg240Ser)

Gene: CHEK2 (checkpoint kinase 2; minus strand). Cytogenetic location: 22q12.1.
Variant type: single nucleotide variant.
Coding change: c.720G>C on transcript NM_007194.4 (MANE Select); coding-DNA position 720, G replaced by C.
Protein change: p.Arg240Ser; replaces arginine 240 with serine.
Molecular consequence: missense variant.
Genome position (GRCh38, 1-based): chr22:28,711,981, C>G on the plus strand (G>C on the coding strand, the complement: CHEK2 is on the minus strand). VCF-style: chr22-28711981-C-G. GRCh37 (hg19) VCF-style: chr22-29107969-C-G.
Other names: c.849G>C, p.Arg283Ser (NM_001005735.3); c.57G>C, p.Arg19Ser (NM_001257387.3); c.519G>C, p.Arg173Ser (NM_001349956.3); c.720G>C, p.Arg240Ser (NM_145862.3); short protein forms R173S, R240S, R283S, R19S.
Identifiers: ClinVar variation 1757716 (VCV001757716.3), dbSNP rs762686006, ClinGen allele CA411103357.